The following is an entry in ClinVar:

NM_006231.4(POLE):c.4144C>A (p.Arg1382Ser)

Gene: POLE (DNA polymerase epsilon, catalytic subunit; minus strand). Cytogenetic location: 12q24.33.
Variant type: single nucleotide variant.
Coding change: c.4144C>A on transcript NM_006231.4 (MANE Select); coding-DNA position 4144, C replaced by A.
Protein change: p.Arg1382Ser; replaces arginine 1382 with serine.
Molecular consequence: missense variant.
Genome position (GRCh38, 1-based): chr12:132,648,934, G>T on the plus strand (C>A on the coding strand, the complement: POLE is on the minus strand). VCF-style: chr12-132648934-G-T. GRCh37 (hg19) VCF-style: chr12-133225520-G-T.
Other names: short protein forms R1382S.
Identifiers: ClinVar variation 2113163 (VCV002113163.4), dbSNP rs5744904, ClinGen allele CA387383576.
Genomic context (GRCh38, chr12:132,648,934, plus strand): 5'-AAAGCCACCTCAGGCTGCCCAGATGACTGCAGAGGCAGCACCAGCTCCTCCCTACCTTGC[G>T]ATACGAAGCACCCTCCTCCGCTTTAGCGACTCGCTGGTTCACGTAGAACACACGGGGGAT-3'
Protein context (NP_006222.2, residues 1372-1392): VAKAEEGASY[Arg1382Ser]KVNRVLPRSN

ClinVar aggregate classification (germline): Uncertain significance (1 of 4 stars; one submission).

Submission:

Labcorp Genetics (formerly Invitae), Labcorp
Classification: Uncertain significance. Last evaluated: 2025-08-11. Review status: criteria provided, single submitter. Criteria: Invitae Variant Classification Sherloc (09022015). Collection method: clinical testing. Allele origin: germline.
Comment: This sequence change replaces arginine, which is basic and polar, with serine, which is neutral and polar, at codon 1382 of the POLE protein (p.Arg1382Ser). This variant is not present in population databases (gnomAD no frequency). This variant has not been reported in the literature in individuals affected with POLE-related conditions. ClinVar contains an entry for this variant (Variation ID: 2113163). Invitae Evidence Modeling of protein sequence and biophysical properties (such as structural, functional, and spatial information, amino acid conservation, physicochemical variation, residue mobility, and thermodynamic stability) indicates that this missense variant is not expected to disrupt POLE protein function with a negative predictive value of 80%. In summary, the available evidence is currently insufficient to determine the role of this variant in disease. Therefore, it has been classified as a Variant of Uncertain Significance.